The following is an entry in ClinVar:

ClinVar aggregate classification (germline): Pathogenic (1 of 4 stars; one submission).

Submission:

Quest Diagnostics Nichols Institute San Juan Capistrano
Classification: Pathogenic. Last evaluated: 2023-06-09. Review status: criteria provided, single submitter. Criteria: ACMG/ClinGen CNV Guidelines, 2019. Collection method: clinical testing. Allele origin: unknown.
Comment: This deletion overlaps the larger region associated with the 15q13.3 microdeletion syndrome (OMIM 612001, Uddin et al., Am J Hum Genet. 2018 Feb 1;102(2):278-295., PMID: 29395074; Lowther et al., Genet Med. 2015 Feb;17(2):149-57., PMID: 25077648; Masurel-Paulet et al., Clin Genet. 2010 Aug;78(2):149-61., PMID: 20236110). Variable expressivity and reduced penetrance are a feature of this copy number loss. (Hoppman-Chaney et al., Clin Genet. 2013 Apr;83(4):345-51., PMID: 22775350; Mikhail et al., Am J Med Genet A. 2011 Oct;155A(10):2386-96., PMID: 22031302; Shinawi et al., Nat Genet. 2009 Dec;41(12):1269-71., PMID: 19898479).

GRCh37/hg19 15q13.3(chr15:32003538-32446830)x1

Gene: CHRNA7 (cholinergic receptor nicotinic alpha 7 subunit). Cytogenetic location: 15q13.3.
Variant type: copy number loss.
Change: copy number 1 (one copy instead of two) of chr15:32,003,538-32,446,830 (443.3 kb, GRCh37 coordinates, 1-based), cytogenetic band 15q13.3.
Identifiers: ClinVar variation 1808694 (VCV001808694.2).